The following is an entry in ClinVar:

ClinVar aggregate classification (germline): Uncertain significance (1 of 4 stars; one submission).

Conditions:
Glycogen storage disease, type II (IOPD). Also called: Pompe Disease; CARDIOMEGALIA GLYCOGENICA DIFFUSA; GLYCOGENOSIS, GENERALIZED, CARDIAC FORM; GSD II; POMPE DISEASE, INFANTILE-ONSET; GLYCOGEN STORAGE DISEASE II, INFANTILE-ONSET. Identifiers: Orphanet 365, MedGen C0017921, MONDO:0009290, OMIM 232300.

Submission:

Genomenon, Inc
Classification: Uncertain significance for Glycogen storage disease, type II. Last evaluated: 2026-07-01. Review status: criteria provided, single submitter. Criteria: Genomenon Sequence Variant Interpretation Standards - Updated. Collection method: curation. Allele origin: germline. Affected: no.
Comment: GAA p.Asp404Ala (c.1211A>C) is a missense variant that changes the amino acid at codon 404 from Aspartic acid to Alanine. This variant has been reported in the published literature (PMID:31342611;33560568;32776513). The variant is located in a mutational hotspot and/or important functional domain. It is absent or not present at a significant frequency in gnomAD. In silico models predict that this variant is possibly or probably damaging. In conclusion, we classify GAA p.Asp404Ala (c.1211A>C) as a variant of uncertain significance.

Literature cited by the submitters: PubMed 31342611; PubMed 33560568; PubMed 32776513.

NM_000152.5(GAA):c.1211A>C (p.Asp404Ala)

Gene: GAA (alpha glucosidase; plus strand). Cytogenetic location: 17q25.3.
Variant type: single nucleotide variant.
Coding change: c.1211A>C on transcript NM_000152.5 (MANE Select); coding-DNA position 1211, A replaced by C.
Protein change: p.Asp404Ala; replaces aspartic acid 404 with alanine.
Molecular consequence: missense variant.
Genome position (GRCh38, 1-based): chr17:80,108,713, A>C. VCF-style: chr17-80108713-A-C. GRCh37 (hg19) VCF-style: chr17-78082512-A-C.
Other names: c.1211A>C, p.Asp404Ala (NM_001079803.3, NM_001079804.3, NM_001406741.1 and 1 more transcripts); short protein forms D404A.
Identifiers: ClinVar variation 4876466 (VCV004876466.1).
Genomic context (GRCh38, chr17:80,108,713, plus strand): 5'-CGTCTCCTCAGGCCCCAGCAGACGGTCCCGTGTTGTGGCTGCAGGACGTCCAGTGGAACG[A>C]CCTGGACTACATGGACTCCCGGAGGGACTTCACGTTCAACAAGGATGGCTTCCGGGACTT-3'
Protein context (NP_000143.2, residues 394-414): AHFPLDVQWN[Asp404Ala]LDYMDSRRDF